The following is an entry in ClinVar:

NM_001355436.2(SPTB):c.2973C>T (p.Ile991=)

Gene: SPTB (spectrin beta, erythrocytic; minus strand). Cytogenetic location: 14q23.3.
Variant type: single nucleotide variant.
Coding change: c.2973C>T on transcript NM_001355436.2 (MANE Select); coding-DNA position 2973, C replaced by T.
Protein change: p.Ile991=; no amino-acid change (isoleucine 991 retained).
Molecular consequence: synonymous variant.
Genome position (GRCh38, 1-based): chr14:64,786,992, G>A on the plus strand (C>T on the coding strand, the complement: SPTB is on the minus strand). VCF-style: chr14-64786992-G-A. GRCh37 (hg19) VCF-style: chr14-65253710-G-A.
Other names: c.2973C>T, p.Ile991= (NM_001024858.4, NM_001355437.2).
Identifiers: ClinVar variation 3051805 (VCV003051805.2), dbSNP rs762131345, ClinGen allele CA7230725.
Genomic context (GRCh38, chr14:64,786,992, plus strand): 5'-CACACGGGCCTGGATGGCGGCCACGTCACGCTCCAGCCCTGACAACTTCCTCTGGATGGC[G>A]ATGATACCTGCCAGGTCCCGCCCCAGGTCTTTTGTGGACTCCACTACCTTTGTCTTGTCC-3'
Protein context (NP_001342365.1, residues 981-1001): KDLGRDLAGI[Ile991=]AIQRKLSGLE

ClinVar aggregate classification (germline): Likely benign (0 of 4 stars; one submission).

Conditions:
SPTB-related disorder. Also called: SPTB-related condition; SPTB-Related Disorders.

Allele frequency attached by ClinVar (database versions not stated): ExAC 0.00001; gnomAD 0.00004.
gnomAD v4.1: 16 of 1,613,974 alleles (0.00099%); highest among the groups gnomAD compares: Admixed American, 0.012%; no homozygotes.

Submission:

PreventionGenetics, part of Exact Sciences
Classification: Likely benign for SPTB-related condition. Last evaluated: 2020-01-28. Review status: no assertion criteria provided. Collection method: clinical testing. Allele origin: germline.
Comment: This variant is classified as likely benign based on ACMG/AMP sequence variant interpretation guidelines (Richards et al. 2015 PMID: 25741868, with internal and published modifications).